The following is an entry in ClinVar:

NM_000204.5(CFI):c.803C>T (p.Ser268Leu)

Gene: CFI (complement factor I; minus strand). Cytogenetic location: 4q25.
Variant type: single nucleotide variant.
Coding change: c.803C>T on transcript NM_000204.5 (MANE Select); coding-DNA position 803, C replaced by T.
Protein change: p.Ser268Leu; replaces serine 268 with leucine.
Molecular consequence: missense variant. On other transcripts: non-coding transcript variant (3).
Genome position (GRCh38, 1-based): chr4:109,760,350, G>A on the plus strand (C>T on the coding strand, the complement: CFI is on the minus strand). VCF-style: chr4-109760350-G-A. GRCh37 (hg19) VCF-style: chr4-110681506-G-A.
Other names: p.Ser268Leu; c.803C>T (NM_000204.4); c.803C>T, p.Ser268Leu (NM_001318057.2, NM_001331035.2, NM_001375278.1 and 5 more transcripts); c.194C>T, p.Ser65Leu (NM_001375284.1); short protein forms S268L, S65L.
Identifiers: ClinVar variation 1687460 (VCV001687460.3), dbSNP rs2126213962, ClinGen allele CA357861390.

ClinVar aggregate classification (germline): Conflicting classifications of pathogenicity. Review status: criteria provided, conflicting classifications (1 of 4 stars). 3 submissions from 3 submitters: Pathogenic (1); Likely pathogenic (1); Uncertain significance (1). Last evaluated 2025-09-26.

Conditions:
CFI-related disorder. Also called: CFI-related condition; CFI-related disorders. Identifiers: MedGen CN239325.
Factor I deficiency (CFID). Also called: Complement factor I deficiency. Identifiers: Orphanet 200418, MedGen C3463916, MONDO:0012594, OMIM 610984.

gnomAD v4.1: 3 of 1,613,924 alleles (0.00019%); highest among the groups gnomAD compares: Middle Eastern, 0.016%; no homozygotes.

Submissions (3):

Genomenon, Inc
Classification: Pathogenic for CFI-related disorder. Last evaluated: 2025-09-26. Review status: criteria provided, single submitter. Criteria: Genomenon Sequence Variant Interpretation Standards - Updated. Collection method: curation. Allele origin: germline. Affected: yes.
Comment: CFI p.Ser268Leu (c.803C>T) is a missense variant that changes the amino acid at residue 268 from Serine to Leucine. This variant has been observed in at least one proband affected with a CFI-related disorder (PMID:35619721;19065647). It has been observed in trans with a pathogenic/likely pathogenic variant (PMID:19065647). At least one functional study has demonstrated a substantial alteration in protein function relative to the wild-type (PMID:19065647). It is absent or not present at a significant frequency in gnomAD. In silico models agree that this variant is possibly or probably damaging. In conclusion, we classify CFI p.Ser268Leu (c.803C>T) as a pathogenic variant.

Mayo Clinic Laboratories, Mayo Clinic
Classification: Likely pathogenic. Last evaluated: 2024-02-13. Review status: criteria provided, single submitter. Criteria: ACMG Guidelines, 2015. Collection method: clinical testing. Allele origin: germline. Observed: 1 variant allele.
Comment: PP3, PM2, PS3_supporting, PS4

3billion
Classification: Uncertain significance for Factor I deficiency. Last evaluated: 2022-05-22. Review status: criteria provided, single submitter. Criteria: ACMG Guidelines, 2015. Collection method: clinical testing. Allele origin: germline. Affected: yes. Observed: 1 homozygote.
Comment: The variant is not observed in the gnomAD v2.1.1 dataset. In silico tool predictions suggest damaging effect of the variant on gene or gene product (REVEL: 0.87; 3Cnet: 3CNET). Same nucleotide change resulting in same amino acid change has been previously reported to be associated with CFI related disorder (PMID: 19065647). However, the evidence of pathogenicity is insufficient at this time. Therefore, this variant is classified as uncertain significanceaccording to the recommendation of ACMG/AMP guideline.

Literature cited by the submitters: PubMed 35619721 (cited by Genomenon, Inc and Mayo Clinic Laboratories, Mayo Clinic); 19065647 (cited by Genomenon, Inc); PubMed 19065647 (cited by Mayo Clinic Laboratories, Mayo Clinic and 3billion).